The following is an entry in ClinVar:

ClinVar aggregate classification (germline): Conflicting classifications of pathogenicity. Review status: criteria provided, conflicting classifications (1 of 4 stars). 2 submissions from 2 submitters: Uncertain significance (1); Likely benign (1). Last evaluated 2024-12-10.

Conditions:
Dyskeratosis congenita, autosomal recessive 5 (DKCB5). Identifiers: MedGen C3554656, MONDO:0014076, OMIM 615190.
Pulmonary fibrosis and/or bone marrow failure, Telomere-related, 3. Also called: PULMONARY FIBROSIS AND/OR BONE MARROW FAILURE SYNDROME, TELOMERE-RELATED, 3. Identifiers: Orphanet 2032, MedGen C4225346, MONDO:0014613, OMIM 616373.
Inborn genetic diseases. Identifiers: MedGen C0950123, MeSH D030342.

gnomAD v4.1: 8 of 1,613,234 alleles (0.0005%); highest among the groups gnomAD compares: African/African-American, 0.0013%; no homozygotes.

Submissions (2):

Ambry Genetics
Classification: Likely benign for Inborn genetic diseases. Last evaluated: 2024-12-10. Review status: criteria provided, single submitter. Criteria: Ambry Variant Classification Scheme 2023. Collection method: clinical testing. Allele origin: germline.

Labcorp Genetics (formerly Invitae), Labcorp
Classification: Uncertain significance for Dyskeratosis congenita, autosomal recessive 5; Pulmonary fibrosis and/or bone marrow failure, Telomere-related, 3. Last evaluated: 2024-09-22. Review status: criteria provided, single submitter. Criteria: Invitae Variant Classification Sherloc (09022015). Collection method: clinical testing. Allele origin: germline.
Comment: This sequence change replaces arginine, which is basic and polar, with arginine, which is basic and polar, at codon 132 of the RTEL1 protein (Silent). This variant is present in population databases (rs769533935, gnomAD 0.007%). This variant has not been reported in the literature in individuals affected with RTEL1-related conditions. Algorithms developed to predict the effect of sequence changes on RNA splicing suggest that this variant is not likely to affect RNA splicing. In summary, the available evidence is currently insufficient to determine the role of this variant in disease. Therefore, it has been classified as a Variant of Uncertain Significance.

NM_001283009.2(RTEL1):c.394C>A (p.Arg132=)

Genes: RTEL1 (regulator of telomere elongation helicase 1; plus strand), RTEL1-TNFRSF6B (RTEL1-TNFRSF6B readthrough (NMD candidate); plus strand). Cytogenetic location: 20q13.33.
Variant type: single nucleotide variant.
Coding change: c.394C>A on transcript NM_001283009.2 (MANE Select); coding-DNA position 394, C replaced by A.
Protein change: p.Arg132=; no amino-acid change (arginine 132 retained).
Molecular consequence: synonymous variant. On other transcripts: non-coding transcript variant (1), 5 prime UTR variant (1), missense variant (1).
Genome position (GRCh38, 1-based): chr20:63,661,942, C>A. VCF-style: chr20-63661942-C-A. GRCh37 (hg19) VCF-style: chr20-62293295-C-A.
Other names: c.-276C>A (NM_001283010.1); c.394C>A, p.Arg132= (NM_016434.4); c.394C>A, p.Arg132Ser (NM_032957.5); short protein forms R132S.
Identifiers: ClinVar variation 3436057 (VCV003436057.3).
Genomic context (GRCh38, chr20:63,661,942, plus strand): 5'-GCCTCCAGGACCCACTCGCAACTCACACAGGTCATCAACGAGCTTCGGAACACCTCCTAC[C>A]GGTGGGTCAGACGAGTTTACACCTGTCTCGGGGTCCTCAAGAGAACCAGCTTGGCATGGT-3'
Protein context (NP_001269938.1, residues 122-142): VINELRNTSY[Arg132=]PKVCVLGSRE